The following is an entry in ClinVar:

ClinVar aggregate classification (germline): Uncertain significance (1 of 4 stars; one submission).

gnomAD v4.1: 2 of 1,613,532 alleles (0.00012%); highest among the groups gnomAD compares: South Asian, 0.0011%; no homozygotes.

Submission:

Labcorp Genetics (formerly Invitae), Labcorp
Classification: Uncertain significance. Last evaluated: 2024-11-04. Review status: criteria provided, single submitter. Criteria: Invitae Variant Classification Sherloc (09022015). Collection method: clinical testing. Allele origin: germline.
Comment: This sequence change replaces valine, which is neutral and non-polar, with aspartic acid, which is acidic and polar, at codon 2742 of the FBN3 protein (p.Val2742Asp). This variant is present in population databases (rs747732485, gnomAD 0.003%). This variant has not been reported in the literature in individuals affected with FBN3-related conditions. Invitae Evidence Modeling of protein sequence and biophysical properties (such as structural, functional, and spatial information, amino acid conservation, physicochemical variation, residue mobility, and thermodynamic stability) indicates that this missense variant is not expected to disrupt FBN3 protein function with a negative predictive value of 80%. In summary, the available evidence is currently insufficient to determine the role of this variant in disease. Therefore, it has been classified as a Variant of Uncertain Significance.

NM_032447.5(FBN3):c.8225T>A (p.Val2742Asp)

Gene: FBN3 (fibrillin 3; minus strand). Cytogenetic location: 19p13.2.
Variant type: single nucleotide variant.
Coding change: c.8225T>A on transcript NM_032447.5 (MANE Select); coding-DNA position 8225, T replaced by A.
Protein change: p.Val2742Asp; replaces valine 2742 with aspartic acid.
Molecular consequence: missense variant.
Genome position (GRCh38, 1-based): chr19:8,066,124, A>T on the plus strand (T>A on the coding strand, the complement: FBN3 is on the minus strand). VCF-style: chr19-8066124-A-T. GRCh37 (hg19) VCF-style: chr19-8131008-A-T.
Other names: c.8225T>A, p.Val2742Asp (NM_001321431.2); short protein forms V2742D.
Identifiers: ClinVar variation 3666138 (VCV003666138.2).